The following is an entry in ClinVar:

NM_017671.5(FERMT1):c.1674G>A (p.Ala558=)

Gene: FERMT1 (FERM domain containing kindlin 1; minus strand). Cytogenetic location: 20p12.3.
Variant type: single nucleotide variant.
Coding change: c.1674G>A on transcript NM_017671.5 (MANE Select); coding-DNA position 1674, G replaced by A.
Protein change: p.Ala558=; no amino-acid change (alanine 558 retained).
Molecular consequence: synonymous variant.
Genome position (GRCh38, 1-based): chr20:6,084,084, C>T on the plus strand (G>A on the coding strand, the complement: FERMT1 is on the minus strand). VCF-style: chr20-6084084-C-T. GRCh37 (hg19) VCF-style: chr20-6064731-C-T.
Other names: p.Ala558=.
Identifiers: ClinVar variation 339209 (VCV000339209.17), dbSNP rs2232079, ClinGen allele CA9758063.
Genomic context (GRCh38, chr20:6,084,084, plus strand): 5'-TGAACATTGTAATCACCTGACAAGGTAGTAGGTGAGGCCAAACTCAGGCAGTGACTGCCA[C>T]GCCTGGATGAACCGCAGCTTGGCTTCGACCAGGGGCATCTGGGCCACGTTCTGGTGCGCC-3'
Protein context (NP_060141.3, residues 548-568): LVEAKLRFIQ[Ala558=]WQSLPEFGLT

ClinVar aggregate classification (germline): Benign. Review status: criteria provided, multiple submitters, no conflicts (2 of 4 stars). 5 submissions from 5 submitters: Benign (5). Last evaluated 2026-02-04.

Conditions:
Kindler syndrome (KNDLRS). Also called: BULLOUS ACROKERATOTIC POIKILODERMA OF KINDLER AND WEARY; POIKILODERMA, CONGENITAL, WITH BULLAE, WEARY TYPE; POIKILODERMA, HEREDITARY ACROKERATOTIC; Hereditary acrokeratotic poikiloderma of Weary; Poikiloderma of Kindler; Congenital bullous poikiloderma. Identifiers: Orphanet 2908, Orphanet 306539, MedGen C0406557, MONDO:0008260, OMIM 173650.

Allele frequency attached by ClinVar (database versions not stated): gnomAD exomes 0.09841; ExAC 0.10236; 1000 Genomes Project 0.11641; 1000 Genomes Project 30x 0.12133; gnomAD 0.13903 and 0.14462; TOPMed 0.14474; ESP Exome Variant Server 0.15316.
gnomAD v4.1: 181,240 of 1,613,008 alleles (11%); highest among the groups gnomAD compares: African/African-American, 24%; 11,388 homozygotes.

Submissions (5):

Labcorp Genetics (formerly Invitae), Labcorp
Classification: Benign. Last evaluated: 2026-02-04. Review status: criteria provided, single submitter. Criteria: Invitae Variant Classification Sherloc (09022015). Collection method: clinical testing. Allele origin: germline.

Mayo Clinic Laboratories, Mayo Clinic
Classification: Benign. Last evaluated: 2022-09-06. Review status: criteria provided, single submitter. Criteria: ACMG Guidelines, 2015. Collection method: clinical testing. Allele origin: germline. Observed: 31 variant alleles.

GeneDx
Classification: Benign. Last evaluated: 2021-05-04. Review status: criteria provided, single submitter. Criteria: GeneDx Variant Classification Process June 2021. Collection method: clinical testing. Allele origin: germline. Affected: yes.

Illumina Laboratory Services, Illumina
Classification: Benign for Kindler syndrome. Last evaluated: 2018-01-13. Review status: criteria provided, single submitter. Criteria: ICSL Variant Classification Criteria 13 December 2019. Collection method: clinical testing. Allele origin: germline.
Comment: This variant was observed in the ICSL laboratory as part of a predisposition screen in an ostensibly healthy population. It had not been previously curated by ICSL or reported in the Human Gene Mutation Database (HGMD: prior to June 1st, 2018), and was therefore a candidate for classification through an automated scoring system. Utilizing variant allele frequency, disease prevalence and penetrance estimates, and inheritance mode, an automated score was calculated to assess if this variant is too frequent to cause the disease. Based on the score and internal cut-off values, a variant classified as benign is not then subjected to further curation. The score for this variant resulted in a classification of benign for this disease.

Breakthrough Genomics
Classification: Benign. Review status: criteria provided, single submitter. Criteria: ACMG Guidelines, 2015. Collection method: not provided. Allele origin: germline. Inheritance: Autosomal recessive inheritance. Affected: yes.